The following is an entry in ClinVar:

ClinVar aggregate classification (germline): Uncertain significance (1 of 4 stars; one submission).

Conditions:
Duchenne muscular dystrophy (DMD). Also called: MUSCULAR DYSTROPHY, PSEUDOHYPERTROPHIC PROGRESSIVE, DUCHENNE TYPE; Duchenne Muscular Dystrophy (DMD). Identifiers: Orphanet 98896, MedGen C0013264, MONDO:0010679, OMIM 310200.

Submission:

Labcorp Genetics (formerly Invitae), Labcorp
Classification: Uncertain significance for Duchenne muscular dystrophy. Last evaluated: 2024-10-23. Review status: criteria provided, single submitter. Criteria: Invitae Variant Classification Sherloc (09022015). Collection method: clinical testing. Allele origin: germline.
Comment: This sequence change falls in intron 50 of the DMD gene. It does not directly change the encoded amino acid sequence of the DMD protein. This variant is not present in population databases (gnomAD no frequency). This variant has not been reported in the literature in individuals affected with DMD-related conditions. Algorithms developed to predict the effect of sequence changes on RNA splicing suggest that this variant may disrupt the consensus splice site. In summary, the available evidence is currently insufficient to determine the role of this variant in disease. Therefore, it has been classified as a Variant of Uncertain Significance.

NM_004006.3(DMD):c.7310-11A>G

Gene: DMD (dystrophin; minus strand). Cytogenetic location: Xp21.1.
Variant type: single nucleotide variant.
Coding change: c.7310-11A>G on transcript NM_004006.3 (MANE Select); 11 bases into the intron before coding-DNA position 7310, A replaced by G.
Molecular consequence: intron variant.
Genome position (GRCh38, 1-based): chrX:31,774,203, T>C on the plus strand (A>G on the coding strand, the complement: DMD is on the minus strand). VCF-style: chrX-31774203-T-C. GRCh37 (hg19) VCF-style: chrX-31792320-T-C.
Other names: c.7286-11A>G (NM_000109.4); c.3287-11A>G (NM_004011.4); c.3278-11A>G (NM_004012.4); c.-71-11A>G (NM_004023.3, NM_004020.4, NM_004022.3 and 2 more transcripts); c.7298-11A>G (NM_004009.3); c.6941-11A>G (NM_004010.3).
Identifiers: ClinVar variation 3713635 (VCV003713635.2).